The following is an entry in ClinVar:

NM_001330360.2(POLA1):c.3393T>C (p.Asn1131=)

Gene: POLA1 (DNA polymerase alpha 1, catalytic subunit; plus strand). Cytogenetic location: Xp22.11.
Variant type: single nucleotide variant.
Coding change: c.3393T>C on transcript NM_001330360.2 (MANE Select); coding-DNA position 3393, T replaced by C.
Protein change: p.Asn1131=; no amino-acid change (asparagine 1131 retained).
Molecular consequence: synonymous variant. On other transcripts: non-coding transcript variant (2).
Genome position (GRCh38, 1-based): chrX:24,815,075, T>C. VCF-style: chrX-24815075-T-C. GRCh37 (hg19) VCF-style: chrX-24833192-T-C.
Other names: p.Asn1125=; c.3375T>C (NM_016937.3); c.3318T>C, p.Asn1106= (NM_001378303.1); c.3375T>C, p.Asn1125= (NM_016937.4).
Identifiers: ClinVar variation 1668099 (VCV001668099.25), dbSNP rs773057698, ClinGen allele CA10373543.

ClinVar aggregate classification (germline): Likely benign. Review status: criteria provided, multiple submitters, no conflicts (2 of 4 stars). 5 submissions from 5 submitters: Likely benign (4). 1 of the submissions does not count toward it. Last evaluated 2025-11-03.

Conditions:
POLA1-related disorder. Also called: POLA1-related condition.

Allele frequency attached by ClinVar (database versions not stated): ExAC 0.00005; gnomAD exomes 0.00008 and 0.00014; TOPMed 0.00009; gnomAD 0.00015.
gnomAD v4.1: 164 of 1,200,182 alleles (0.014%); highest among the groups gnomAD compares: Non-Finnish European, 0.016%; no homozygotes.

Submissions (5):

Labcorp Genetics (formerly Invitae), Labcorp
Classification: Likely benign. Last evaluated: 2025-11-03. Review status: criteria provided, single submitter. Criteria: Invitae Variant Classification Sherloc (09022015). Collection method: clinical testing. Allele origin: germline.

Mayo Clinic Laboratories, Mayo Clinic
Classification: Likely benign. Last evaluated: 2025-02-11. Review status: criteria provided, single submitter. Criteria: ACMG Guidelines, 2015. Collection method: clinical testing. Allele origin: germline. Observed: 1 variant allele.
Comment: BS2, BP4, BP7

CeGaT Center for Human Genetics Tuebingen
Classification: Likely benign. Last evaluated: 2024-12-01. Review status: criteria provided, single submitter. Criteria: CeGaT Center For Human Genetics Tuebingen Variant Classification Criteria Version 2. Collection method: clinical testing. Allele origin: germline. Affected: yes. Observed: 1 variant allele.
Comment: POLA1: BP4, BP7, BS2

Blueprint Genetics
Classification: Likely benign. Last evaluated: 2024-10-03. Review status: criteria provided, single submitter. Criteria: ACMG Guidelines, 2015. Collection method: clinical testing. Allele origin: germline.

PreventionGenetics, part of Exact Sciences
Classification: Likely benign for POLA1-related condition. Last evaluated: 2022-04-28. Review status: no assertion criteria provided. Collection method: clinical testing. Allele origin: germline. Not counted in ClinVar's aggregate classification.
Comment: This variant is classified as likely benign based on ACMG/AMP sequence variant interpretation guidelines (Richards et al. 2015 PMID: 25741868, with internal and published modifications).